The following is an entry in ClinVar:

ClinVar aggregate classification (germline): Uncertain significance. Review status: criteria provided, multiple submitters, no conflicts (2 of 4 stars). 2 submissions from 2 submitters: Uncertain significance (2). Last evaluated 2024-03-06.

Conditions:
Catecholaminergic polymorphic ventricular tachycardia (CVPT). Also called: Catecholamine-induced polymorphic ventricular tachycardia. Identifiers: Orphanet 3286, MedGen C5574922, MONDO:0017990.
Cardiomyopathy (CMYO). Also called: Cardiomyopathies. Identifiers: Orphanet 167848, MedGen C0878544, MONDO:0004994, HP:0001638. Inheritance: Various modes of inheritance.

Allele frequency attached by ClinVar (database versions not stated): TOPMed below 0.00001; gnomAD 0.00001.
gnomAD v4.1: 1 of 1,608,482 alleles (0.000062%); highest among the groups gnomAD compares: Non-Finnish European, 0.000085%; no homozygotes.

Submissions (2):

Color Diagnostics, LLC DBA Color Health
Classification: Uncertain significance for Cardiomyopathy. Last evaluated: 2024-03-06. Review status: criteria provided, single submitter. Criteria: ACMG Guidelines, 2015. Collection method: clinical testing. Allele origin: germline.
Comment: This missense variant replaces isoleucine with methionine at codon 3133 of the RYR2 protein. Computational prediction suggests that this variant may not impact protein structure and function (internally defined REVEL score threshold <= 0.5, PMID: 27666373). To our knowledge, functional studies have not been reported for this variant. This variant has not been reported in individuals affected with RYR2-related disorders in the literature. This variant has not been identified in the general population by the Genome Aggregation Database (gnomAD). The available evidence is insufficient to determine the role of this variant in disease conclusively. Therefore, this variant is classified as a Variant of Uncertain Significance.

All of Us Research Program, National Institutes of Health
Classification: Uncertain significance for Catecholaminergic polymorphic ventricular tachycardia. Last evaluated: 2023-05-04. Review status: criteria provided, single submitter. Criteria: ACMG Guidelines, 2015. Collection method: clinical testing. Allele origin: germline. Inheritance: Autosomal dominant inheritance. Observed: 1 variant allele, 1 heterozygote.
Comment: This missense variant replaces isoleucine with methionine at codon 3133 of the RYR2 protein. Computational prediction tools and conservation analyses are inconclusive regarding the impact of this variant on the protein function. Computational splicing tools suggest that this variant may not impact RNA splicing. To our knowledge, functional assays have not been performed for this variant nor has this variant been reported in individuals affected with cardiovascular disorders in the literature. This variant has not been identified in the general population by the Genome Aggregation Database (gnomAD). Available evidence is insufficient to determine the role of this variant in disease conclusively. Therefore, this variant is classified as a Variant of Uncertain Significance.

This study involves interpretation of variants in research participants for the purpose of population health screening. Participant phenotype was not available at the time of variant classification. Additional details can be found in publication PMID: 35346344, PMCID: PMC8962531

NM_001035.3(RYR2):c.9399T>G (p.Ile3133Met)

Gene: RYR2 (ryanodine receptor 2; plus strand). Cytogenetic location: 1q43.
Variant type: single nucleotide variant.
Coding change: c.9399T>G on transcript NM_001035.3 (MANE Select); coding-DNA position 9399, T replaced by G.
Protein change: p.Ile3133Met; replaces isoleucine 3133 with methionine.
Molecular consequence: missense variant.
Genome position (GRCh38, 1-based): chr1:237,702,009, T>G. VCF-style: chr1-237702009-T-G. GRCh37 (hg19) VCF-style: chr1-237865309-T-G.
Other names: short protein forms I3133M.
Identifiers: ClinVar variation 927615 (VCV000927615.6), dbSNP rs1688007466, ClinGen allele CA345406353.